The following is an entry in ClinVar:

ClinVar aggregate classification (germline): Likely benign. Review status: criteria provided, multiple submitters, no conflicts (2 of 4 stars). 3 submissions from 3 submitters: Likely benign (2). 1 of the submissions does not count toward it. Last evaluated 2024-09-03.

Conditions:
CPLANE1-related disorder. Also called: CPLANE1-related condition.

Allele frequency attached by ClinVar (database versions not stated): TOPMed 0.00003; 1000 Genomes Project 30x 0.00016; 1000 Genomes Project 0.00020; gnomAD exomes 0.00020; gnomAD 0.00028; ExAC 0.00042.
gnomAD v4.1: 339 of 1,614,052 alleles (0.021%); highest among the groups gnomAD compares: Non-Finnish European, 0.0031%; no homozygotes.

Submissions (3):

Labcorp Genetics (formerly Invitae), Labcorp
Classification: Likely benign. Last evaluated: 2024-09-03. Review status: criteria provided, single submitter. Criteria: Invitae Variant Classification Sherloc (09022015). Collection method: clinical testing. Allele origin: germline.

Blueprint Genetics
Classification: Likely benign. Last evaluated: 2024-07-10. Review status: criteria provided, single submitter. Criteria: ACMG Guidelines, 2015. Collection method: clinical testing. Allele origin: germline.

PreventionGenetics, part of Exact Sciences
Classification: Likely benign for CPLANE1-related condition. Last evaluated: 2022-07-26. Review status: no assertion criteria provided. Collection method: clinical testing. Allele origin: germline. Not counted in ClinVar's aggregate classification.
Comment: This variant is classified as likely benign based on ACMG/AMP sequence variant interpretation guidelines (Richards et al. 2015 PMID: 25741868, with internal and published modifications).

NM_001384732.1(CPLANE1):c.5551T>C (p.Ser1851Pro)

Gene: CPLANE1 (ciliogenesis and planar polarity effector complex subunit 1; minus strand). Cytogenetic location: 5p13.2.
Variant type: single nucleotide variant.
Coding change: c.5551T>C on transcript NM_001384732.1 (MANE Select); coding-DNA position 5551, T replaced by C.
Protein change: p.Ser1851Pro; replaces serine 1851 with proline.
Molecular consequence: missense variant.
Genome position (GRCh38, 1-based): chr5:37,180,876, A>G on the plus strand (T>C on the coding strand, the complement: CPLANE1 is on the minus strand). VCF-style: chr5-37180876-A-G. GRCh37 (hg19) VCF-style: chr5-37180978-A-G.
Other names: c.5551T>C (NM_023073.3); c.5551T>C, p.Ser1851Pro (NM_023073.4); short protein forms S1851P.
Identifiers: ClinVar variation 2712144 (VCV002712144.6), dbSNP rs200795256, ClinGen allele CA3238523.
Genomic context (GRCh38, chr5:37,180,876, plus strand): 5'-CATGTCTTATATTGAAAAGAAGAGTATAATCGGCAACTTACTTCAAGATATTTTGACAAG[A>G]TTTATTCTGACCATTTCTTTCCTCAGTTCCACCTGGAGTTGCTACTGCAACTGAACCGCC-3'
Protein context (NP_001371661.1, residues 1841-1861): GTEERNGQNK[Ser1851Pro]CQNILNRMPT